The following is an entry in ClinVar:

NM_004655.4(AXIN2):c.1746T>G (p.Asn582Lys)

Gene: AXIN2 (axin 2; minus strand). Cytogenetic location: 17q24.1.
Variant type: single nucleotide variant.
Coding change: c.1746T>G on transcript NM_004655.4 (MANE Select); coding-DNA position 1746, T replaced by G.
Protein change: p.Asn582Lys; replaces asparagine 582 with lysine.
Molecular consequence: missense variant. On other transcripts: intron variant (1).
Genome position (GRCh38, 1-based): chr17:65,537,030, A>C on the plus strand (T>G on the coding strand, the complement: AXIN2 is on the minus strand). VCF-style: chr17-65537030-A-C. GRCh37 (hg19) VCF-style: chr17-63533148-A-C.
Other names: c.1712+294T>G (NM_001363813.1); short protein forms N582K.
Identifiers: ClinVar variation 2084278 (VCV002084278.4), dbSNP rs1555577456, ClinGen allele CA400676700.

ClinVar aggregate classification (germline): Uncertain significance (1 of 4 stars; one submission).

Conditions:
Oligodontia-cancer predisposition syndrome. Also called: TOOTH AGENESIS-COLORECTAL CANCER SYNDROME. Identifiers: Orphanet 300576, MedGen C1837750, MONDO:0012075, OMIM 608615. Disease mechanism: loss of function.

Submission:

Labcorp Genetics (formerly Invitae), Labcorp
Classification: Uncertain significance for Oligodontia-cancer predisposition syndrome. Last evaluated: 2025-11-21. Review status: criteria provided, single submitter. Criteria: Invitae Variant Classification Sherloc (09022015). Collection method: clinical testing. Allele origin: germline.
Comment: This sequence change replaces asparagine, which is neutral and polar, with lysine, which is basic and polar, at codon 582 of the AXIN2 protein (p.Asn582Lys). This variant is not present in population databases (gnomAD no frequency). This variant has not been reported in the literature in individuals affected with AXIN2-related conditions. ClinVar contains an entry for this variant (Variation ID: 2084278). Invitae Evidence Modeling of protein sequence and biophysical properties (such as structural, functional, and spatial information, amino acid conservation, physicochemical variation, residue mobility, and thermodynamic stability) indicates that this missense variant is not expected to disrupt AXIN2 protein function with a negative predictive value of 80%. In summary, the available evidence is currently insufficient to determine the role of this variant in disease. Therefore, it has been classified as a Variant of Uncertain Significance.